The following is an entry in ClinVar:

ClinVar aggregate classification (germline): Likely benign (1 of 4 stars; one submission).

gnomAD v4.1: 176 of 1,572,522 alleles (0.011%); highest among the groups gnomAD compares: Admixed American, 0.059%; 1 homozygote.

Submission:

CeGaT Center for Human Genetics Tuebingen
Classification: Likely benign. Last evaluated: 2026-07-01. Review status: criteria provided, single submitter. Criteria: CeGaT Center For Human Genetics Tuebingen Variant Classification Criteria Version 2. Collection method: clinical testing. Allele origin: germline. Affected: yes. Observed: 1 variant allele.
Comment: PLXNB2: BP4, BP7

NM_012401.4(PLXNB2):c.3402C>T (p.Ala1134=)

Gene: PLXNB2 (plexin B2; minus strand). Cytogenetic location: 22q13.33.
Variant type: single nucleotide variant.
Coding change: c.3402C>T on transcript NM_012401.4 (MANE Select); coding-DNA position 3402, C replaced by T.
Protein change: p.Ala1134=; no amino-acid change (alanine 1134 retained).
Molecular consequence: synonymous variant.
Genome position (GRCh38, 1-based): chr22:50,281,686, G>A on the plus strand (C>T on the coding strand, the complement: PLXNB2 is on the minus strand). VCF-style: chr22-50281686-G-A. GRCh37 (hg19) VCF-style: chr22-50720115-G-A.
Other names: c.3639C>T, p.Ala1213= (NM_001376864.1); c.3471C>T, p.Ala1157= (NM_001376865.1); c.3402C>T, p.Ala1134= (NM_001376866.1, NM_001376867.1, NM_001376868.1 and 16 more transcripts); c.3378C>T, p.Ala1126= (NM_001376883.1); c.3309C>T, p.Ala1103= (NM_001376886.1).
Identifiers: ClinVar variation 5039221 (VCV005039221.1).